The following is an entry in ClinVar:

NM_000529.2(MC2R):c.-94G>A

Gene: MC2R (melanocortin 2 receptor; minus strand). Cytogenetic location: 18p11.21.
Variant type: single nucleotide variant.
Coding change: c.-94G>A on transcript NM_000529.2 (MANE Select); 94 bases upstream of the start codon, G replaced by A.
Molecular consequence: 5 prime UTR variant.
Genome position (GRCh38, 1-based): chr18:13,885,612, C>T on the plus strand (G>A on the coding strand, the complement: MC2R is on the minus strand). VCF-style: chr18-13885612-C-T. GRCh37 (hg19) VCF-style: chr18-13885611-C-T.
Other names: c.-94G>A (NM_001291911.1).
Identifiers: ClinVar variation 326199 (VCV000326199.5), dbSNP rs34426564, ClinGen allele CA10651398.

ClinVar aggregate classification (germline): Benign (1 of 4 stars; one submission).

Conditions:
Glucocorticoid deficiency 1 (GCCD1). Also called: FAMILIAL GLUCOCORTICOID DEFICIENCY 1; Adrenal unresponsiveness to acth; Glucocorticoid deficiency, due to ACTH unresponsiveness. Identifiers: Orphanet 361, MedGen C4049650, MONDO:0024536, OMIM 202200.

Allele frequency attached by ClinVar (database versions not stated): 1000 Genomes Project 0.00539; gnomAD 0.00543 and 0.00590; TOPMed 0.00590; 1000 Genomes Project 30x 0.00609.

Submission:

Illumina Laboratory Services, Illumina
Classification: Benign for Glucocorticoid deficiency 1. Last evaluated: 2018-01-12. Review status: criteria provided, single submitter. Criteria: ICSL Variant Classification Criteria 13 December 2019. Collection method: clinical testing. Allele origin: germline.
Comment: This variant was observed in the ICSL laboratory as part of a predisposition screen in an ostensibly healthy population. It had not been previously curated by ICSL or reported in the Human Gene Mutation Database (HGMD: prior to June 1st, 2018), and was therefore a candidate for classification through an automated scoring system. Utilizing variant allele frequency, disease prevalence and penetrance estimates, and inheritance mode, an automated score was calculated to assess if this variant is too frequent to cause the disease. Based on the score and internal cut-off values, a variant classified as benign is not then subjected to further curation. The score for this variant resulted in a classification of benign for this disease.